The following is an entry in ClinVar:

NM_001042492.3(NF1):c.2041del (p.Arg681fs)

Gene: NF1 (neurofibromin 1; plus strand). Cytogenetic location: 17q11.2.
Variant type: Deletion.
Coding change: c.2041del on transcript NM_001042492.3 (MANE Select); coding-DNA position 2041, one base deleted (C; older notation c.2041delC).
Protein change: p.Arg681fs; shifts the reading frame from arginine 681.
Molecular consequence: frameshift variant.
Genome position (GRCh38, 1-based): chr17:31,226,474, C deleted; the last of 2 consecutive C bases (chr17:31,226,473-31,226,474); deleting either gives the same sequence. VCF-style (leftmost placement, unchanged base first): chr17-31226472-GC-G. GRCh37 (hg19) VCF-style: chr17-29553490-GC-G.
Other names: c.2041delC (NM_000267.3); c.2041delC, p.Arg681Aspfs (NM_000267.4); short protein forms R681fs.
Identifiers: ClinVar variation 574512 (VCV000574512.5), dbSNP rs1567847398, ClinGen allele CA891844362.

ClinVar aggregate classification (germline): Pathogenic (1 of 4 stars; one submission).

Conditions:
Neurofibromatosis, type 1 (NF1). Also called: Peripheral type neurofibromatosis; VON RECKLINGHAUSEN DISEASE; Neurofibromatosis, type I; NEUROFIBROMATOSIS, TYPE I, SOMATIC. Identifiers: Orphanet 636, MedGen C0027831, MONDO:0018975, OMIM 162200. Disease mechanism: loss of function.

Submission:

Labcorp Genetics (formerly Invitae), Labcorp
Classification: Pathogenic for Neurofibromatosis, type 1. Last evaluated: 2018-03-31. Review status: criteria provided, single submitter. Criteria: Invitae Variant Classification Sherloc (09022015). Collection method: clinical testing. Allele origin: germline.
Comment: For these reasons, this variant has been classified as Pathogenic. Loss-of-function variants in NF1 are known to be pathogenic (PMID: 10712197, 23913538). This variant has not been reported in the literature in individuals with NF1-related disease. This variant is not present in population databases (ExAC no frequency). This sequence change creates a premature translational stop signal (p.Arg681Aspfs*7) in the NF1 gene. It is expected to result in an absent or disrupted protein product.

Literature cited by the submitters: PubMed 10712197; PubMed 23913538.